The following is an entry in ClinVar:

NM_017837.4(PIGV):c.452C>G (p.Ala151Gly)

Gene: PIGV (phosphatidylinositol glycan anchor biosynthesis class V; plus strand). Cytogenetic location: 1p36.11.
Variant type: single nucleotide variant.
Coding change: c.452C>G on transcript NM_017837.4 (MANE Select); coding-DNA position 452, C replaced by G.
Protein change: p.Ala151Gly; replaces alanine 151 with glycine.
Molecular consequence: missense variant. On other transcripts: non-coding transcript variant (1), intron variant (3).
Genome position (GRCh38, 1-based): chr1:26,794,486, C>G. VCF-style: chr1-26794486-C-G. GRCh37 (hg19) VCF-style: chr1-27120977-C-G.
Other names: c.452C>G, p.Ala151Gly (NM_001202554.2, NM_001374478.1, NM_001374480.1 and 2 more transcripts); c.71C>G, p.Ala24Gly (NM_001374483.1); c.172+280C>G (NM_001374484.1, NM_001374485.1); c.79-3077C>G (NM_001374486.1); short protein forms A151G, A24G.
Identifiers: ClinVar variation 392085 (VCV000392085.2), dbSNP rs1057524351, ClinGen allele CA16603650.

ClinVar aggregate classification (germline): Uncertain significance (1 of 4 stars; one submission).

Submission:

GeneDx
Classification: Uncertain significance. Last evaluated: 2016-12-23. Review status: criteria provided, single submitter. Criteria: GeneDx Variant Classification (06012015). Collection method: clinical testing. Allele origin: germline. Affected: yes.
Comment: A variant of uncertain significance has been identified in the PIGV gene. The A151G variant has not been published as a pathogenic variant, nor has it been reported as a benign variant to our knowledge. The A151G variant is not observed in large population cohorts (Lek et al., 2016; 1000 Genomes Consortium et al., 2015; Exome Variant Server). The A151G variant is a conservative amino acid substitution, which is not likely to impact secondary protein structure as these residues share similar properties. This substitution occurs at a position that is not conserved. However, in silico analysis predicts this variant is probably damaging to the protein structure/function. Therefore, based on the currently available information, it is unclear whether this variant is a pathogenic variant or a rare benign variant.